The following is an entry in ClinVar:

ClinVar aggregate classification (germline): Pathogenic. Review status: criteria provided, multiple submitters, no conflicts (2 of 4 stars). 2 submissions from 2 submitters: Pathogenic (2). Last evaluated 2025-03-29.

Conditions:
Mucopolysaccharidosis type 6 (MPS6). Also called: MPS VI; ARSB DEFICIENCY; ARYLSULFATASE B DEFICIENCY; MPS 6; Maroteaux Lamy syndrome; N-ACETYLGALACTOSAMINE-4-SULFATASE DEFICIENCY. Identifiers: Orphanet 583, MedGen C0026709, MONDO:0009661, OMIM 253200.

Submissions (2):

Natera, Inc.
Classification: Pathogenic for Mucopolysaccharidosis type VI. Last evaluated: 2025-03-29. Review status: criteria provided, single submitter. Criteria: Natera Variant Classification Schema (03/2026). Collection method: clinical testing. Allele origin: germline.
Comment: The c.31C>T variant in ARSB is a nonsense variant predicted to introduce a stop codon at amino acid 11. This variant is expected to result in nonsense mediated decay, truncation, or a dysfunctional protein product. This variant is rare in the general population with a frequency below the threshold expected for the associated phenotype(s). This variant has been observed in one or more individuals affected with the associated recessive disease, as either homozygous or compound heterozygous with a second variant (PMID: 35005816). Given the available evidence, this variant is classified as Pathogenic.

Labcorp Genetics (formerly Invitae), Labcorp
Classification: Pathogenic for Mucopolysaccharidosis type 6. Last evaluated: 2023-05-16. Review status: criteria provided, single submitter. Criteria: Invitae Variant Classification Sherloc (09022015). Collection method: clinical testing. Allele origin: germline.
Comment: For these reasons, this variant has been classified as Pathogenic. This premature translational stop signal has been observed in individual(s) with mucopolysaccharidosis (PMID: 35005816). This variant is not present in population databases (gnomAD no frequency). This sequence change creates a premature translational stop signal (p.Arg11*) in the ARSB gene. It is expected to result in an absent or disrupted protein product. Loss-of-function variants in ARSB are known to be pathogenic (PMID: 17458871, 22133300).

Literature cited by the submitters: PubMed 35005816 (cited by Natera, Inc. and Labcorp Genetics (formerly Invitae), Labcorp); PubMed 17458871 (cited by Labcorp Genetics (formerly Invitae), Labcorp); PubMed 22133300 (cited by Labcorp Genetics (formerly Invitae), Labcorp).

NM_000046.5(ARSB):c.31C>T (p.Arg11Ter)

Genes: ARSB (arylsulfatase B; minus strand), LOC129994126 (ATAC-STARR-seq lymphoblastoid silent region 16127; plus strand). Cytogenetic location: 5q14.1.
Variant type: single nucleotide variant.
Coding change: c.31C>T on transcript NM_000046.5 (MANE Select); coding-DNA position 31, C replaced by T.
Protein change: p.Arg11Ter; replaces arginine 11 with a stop codon.
Molecular consequence: nonsense.
Genome position (GRCh38, 1-based): chr5:78,985,218, G>A on the plus strand (C>T on the coding strand, the complement: ARSB is on the minus strand). VCF-style: chr5-78985218-G-A. GRCh37 (hg19) VCF-style: chr5-78281041-G-A.
Other names: c.31C>T (NM_000046.4); c.31C>T, p.Arg11Ter (NM_198709.3); short protein forms R11*.
Identifiers: ClinVar variation 2806662 (VCV002806662.5), dbSNP rs1753131019, ClinGen allele CA360197254.